The following is an entry in ClinVar:

NM_000540.3(RYR1):c.12301C>T (p.Gln4101Ter)

Gene: RYR1 (ryanodine receptor 1; plus strand). Cytogenetic location: 19q13.2.
Variant type: single nucleotide variant.
Coding change: c.12301C>T on transcript NM_000540.3 (MANE Select); coding-DNA position 12301, C replaced by T.
Protein change: p.Gln4101Ter; replaces glutamine 4101 with a stop codon.
Molecular consequence: nonsense.
Genome position (GRCh38, 1-based): chr19:38,561,131, C>T. VCF-style: chr19-38561131-C-T. GRCh37 (hg19) VCF-style: chr19-39051771-C-T.
Other names: c.12286C>T, p.Gln4096Ter (NM_001042723.2); short protein forms Q4096*, Q4101*.
Identifiers: ClinVar variation 3385579 (VCV003385579.1).

ClinVar aggregate classification (germline): Uncertain significance (1 of 4 stars; one submission).

Conditions:
Malignant hyperthermia, susceptibility to, 1 (MHS1). Also called: Anesthesia related hyperthermia; Malignant hyperpyrexia; Fulminating hyperpyrexia; Pharmacogenic myopathy; Malignant hyperthermia suceptibility 1; RYR1-Related Malignant Hyperthermia Susceptibility. Identifiers: Orphanet 423, MedGen C2930980, MONDO:0007783, OMIM 145600.

Submission:

All of Us Research Program, National Institutes of Health
Classification: Uncertain significance for Malignant hyperthermia, susceptibility to, 1. Last evaluated: 2024-07-10. Review status: criteria provided, single submitter. Criteria: ACMG Guidelines, 2015. Collection method: clinical testing. Allele origin: germline. Inheritance: Autosomal dominant inheritance. Observed: 1 variant allele, 1 heterozygote.
Comment: This variant changes 1 nucleotide in exon 90/106 of the RYR1 gene, creating a premature translation stop signal. This variant is expected to result in an absent or non-functional protein product. To our knowledge, this variant has not been reported in individuals affected with RYR1-related disorders in the literature. This variant has not been identified in the general population by the Genome Aggregation Database (gnomAD). Loss of RYR1 function due to truncation variants is not an established disease mechanism for autosomal dominant malignant hyperthermia, although it is associated with other phenotype(s). Therefore, this variant is classified as a Variant of Uncertain Significance for autosomal dominant malignant hyperthermia.

This study involves interpretation of variants in research participants for the purpose of population health screening. Participant phenotype was not available at the time of variant classification. Additional details can be found in publication PMID: 35346344, PMCID: PMC8962531